The following is an entry in ClinVar:

NM_170606.3(KMT2C):c.2708G>A (p.Gly903Glu)

Gene: KMT2C (lysine methyltransferase 2C; minus strand). Cytogenetic location: 7q36.1.
Variant type: single nucleotide variant.
Coding change: c.2708G>A on transcript NM_170606.3 (MANE Select); coding-DNA position 2708, G replaced by A.
Protein change: p.Gly903Glu; replaces glycine 903 with glutamic acid.
Molecular consequence: missense variant.
Genome position (GRCh38, 1-based): chr7:152,235,878, C>T on the plus strand (G>A on the coding strand, the complement: KMT2C is on the minus strand). VCF-style: chr7-152235878-C-T. GRCh37 (hg19) VCF-style: chr7-151932963-C-T.
Other names: short protein forms G903E.
Identifiers: ClinVar variation 2663245 (VCV002663245.1), dbSNP rs2129155517, ClinGen allele CA370112429.

ClinVar aggregate classification (germline): Uncertain significance (1 of 4 stars; one submission).

Submission:

GeneDx
Classification: Uncertain significance. Last evaluated: 2023-05-11. Review status: criteria provided, single submitter. Criteria: GeneDx Variant Classification Process June 2021. Collection method: clinical testing. Allele origin: germline. Affected: yes.
Comment: Not observed at significant frequency in large population cohorts (gnomAD); In silico analysis supports that this missense variant has a deleterious effect on protein structure/function; Has not been previously published as pathogenic or benign to our knowledge